The following is an entry in ClinVar:

NM_000245.4(MET):c.1081G>T (p.Ala361Ser)

Gene: MET (MET proto-oncogene, receptor tyrosine kinase; plus strand). Cytogenetic location: 7q31.2.
Variant type: single nucleotide variant.
Coding change: c.1081G>T on transcript NM_000245.4 (MANE Select); coding-DNA position 1081, G replaced by T.
Protein change: p.Ala361Ser; replaces alanine 361 with serine.
Molecular consequence: missense variant. On other transcripts: intron variant (1).
Genome position (GRCh38, 1-based): chr7:116,700,165, G>T. VCF-style: chr7-116700165-G-T. GRCh37 (hg19) VCF-style: chr7-116340219-G-T.
Other names: c.1081G>T, p.Ala361Ser (NM_001127500.3, NM_001324401.3); c.-91+27588G>T (NM_001324402.2); short protein forms A361S.
Identifiers: ClinVar variation 185606 (VCV000185606.17), dbSNP rs786202310, ClinGen allele CA192400.

ClinVar aggregate classification (germline): Conflicting classifications of pathogenicity. Review status: criteria provided, conflicting classifications (1 of 4 stars). 5 submissions from 5 submitters: Uncertain significance (3); Likely benign (2). Last evaluated 2025-10-05.

Conditions:
Renal cell carcinoma. Identifiers: Orphanet 217071, MedGen C0007134, MeSH D002292, MONDO:0005086, HP:0005584.
Osteofibrous dysplasia (OSFD). Also called: Tibia, bowing of, with pseudarthrosis and pectus excavatum. Identifiers: Orphanet 488265, MedGen C4085248, MONDO:0011806, OMIM 607278.
Hepatocellular carcinoma (HCC). Also called: Primary carcinoma of liver; HEPATOMA; LIVER CELL CARCINOMA. Identifiers: Orphanet 88673, MedGen C2239176, MONDO:0007256, OMIM 114550, HP:0001402.
Papillary renal cell carcinoma type 1 (RCCP1). Also called: Renal adenocarcinoma; Renal cell carcinoma 1; Renal cell carcinoma, somatic; RENAL CELL CARCINOMA, PAPILLARY, 1, SOMATIC. Identifiers: Orphanet 47044, MedGen C1336839, OMIM 605074, HP:0011797.
Autosomal recessive nonsyndromic hearing loss 97. Also called: Deafness, autosomal recessive 97. Identifiers: Orphanet 90636, MedGen C4084709, MONDO:0014739, OMIM 616705.
Hereditary cancer-predisposing syndrome. Also called: Hereditary neoplastic syndrome; Neoplastic Syndromes, Hereditary; Tumor predisposition; Hereditary Cancer Syndrome. Identifiers: Orphanet 140162, MedGen C0027672, MeSH D009386, MONDO:0015356.

Allele frequency attached by ClinVar (database versions not stated): gnomAD exomes below 0.00001; gnomAD 0.00002; TOPMed 0.00005.
gnomAD v4.1: 5 of 1,595,232 alleles (0.00031%); highest among the groups gnomAD compares: African/African-American, 0.0067%; no homozygotes.

Submissions (5):

Labcorp Genetics (formerly Invitae), Labcorp
Classification: Likely benign for Renal cell carcinoma. Last evaluated: 2025-10-05. Review status: criteria provided, single submitter. Criteria: Invitae Variant Classification Sherloc (09022015). Collection method: clinical testing. Allele origin: germline.

Ambry Genetics
Classification: Likely benign for Hereditary cancer-predisposing syndrome. Last evaluated: 2024-05-14. Review status: criteria provided, single submitter. Criteria: Ambry Variant Classification Scheme 2023. Collection method: clinical testing. Allele origin: germline.

GeneDx
Classification: Uncertain significance. Last evaluated: 2024-03-15. Review status: criteria provided, single submitter. Criteria: GeneDx Variant Classification Process June 2021. Collection method: clinical testing. Allele origin: germline. Affected: yes.
Comment: In silico analysis supports that this missense variant has a deleterious effect on protein structure/function; Has not been previously published as pathogenic or benign to our knowledge

Baylor Genetics
Classification: Uncertain significance for Autosomal recessive nonsyndromic hearing loss 97. Last evaluated: 2023-07-12. Review status: criteria provided, single submitter. Criteria: ACMG Guidelines, 2015. Collection method: clinical testing. Allele origin: unknown.

Fulgent Genetics
Classification: Uncertain significance for Hepatocellular carcinoma; Papillary renal cell carcinoma type 1; Osteofibrous dysplasia; Autosomal recessive nonsyndromic hearing loss 97. Last evaluated: 2021-07-28. Review status: criteria provided, single submitter. Criteria: ACMG Guidelines, 2015. Collection method: clinical testing. Allele origin: unknown.